The following is an entry in ClinVar:

NM_032830.3(UTP4):c.1910C>T (p.Thr637Ile)

Gene: UTP4 (UTP4 small subunit processome component). Cytogenetic location: 16q22.1.
Variant type: single nucleotide variant.
Coding change: c.1910C>T on transcript NM_032830.3 (MANE Select); coding-DNA position 1910, C replaced by T.
Protein change: p.Thr637Ile; replaces threonine 637 with isoleucine.
Molecular consequence: missense variant.
Genome position (GRCh38, 1-based): chr16:69,167,151, C>T. VCF-style: chr16-69167151-C-T. GRCh37 (hg19) VCF-style: chr16-69201054-C-T.
Other names: c.1661C>T, p.Thr554Ile (NM_001318391.2); c.1910C>T (NM_032830.2); short protein forms T637I, T554I.
Identifiers: ClinVar variation 4706461 (VCV004706461.2).

ClinVar aggregate classification (germline): Uncertain significance. Review status: criteria provided, multiple submitters, no conflicts (2 of 4 stars). 2 submissions from 2 submitters: Uncertain significance (2). Last evaluated 2026-04-17.

Conditions:
UTP4-related disorder. Also called: UTP4-related condition.

gnomAD v4.1: 18 of 1,612,834 alleles (0.0011%); highest among the groups gnomAD compares: Non-Finnish European, 0.0014%; no homozygotes.

Submissions (2):

PreventionGenetics, part of Exact Sciences
Classification: Uncertain significance for UTP4-related condition. Last evaluated: 2026-04-17. Review status: criteria provided, single submitter. Criteria: ACMG Guidelines, 2015. Collection method: clinical testing. Allele origin: germline.
Comment: The UTP4 c.1910C>T variant is predicted to result in the amino acid substitution p.Thr637Ile. To our knowledge, this variant has not been reported in the literature. This variant is reported in 0.0018% of alleles in individuals of European (Non-Finnish) descent in gnomAD. At this time, the clinical significance of this variant is uncertain due to the absence of conclusive functional and genetic evidence.

Labcorp Genetics (formerly Invitae), Labcorp
Classification: Uncertain significance. Last evaluated: 2025-09-10. Review status: criteria provided, single submitter. Criteria: Invitae Variant Classification Sherloc (09022015). Collection method: clinical testing. Allele origin: germline.
Comment: This sequence change replaces threonine, which is neutral and polar, with isoleucine, which is neutral and non-polar, at codon 637 of the UTP4 protein (p.Thr637Ile). This variant is present in population databases (rs759919961, gnomAD 0.002%). This variant has not been reported in the literature in individuals affected with UTP4-related conditions. Invitae Evidence Modeling of protein sequence and biophysical properties (such as structural, functional, and spatial information, amino acid conservation, physicochemical variation, residue mobility, and thermodynamic stability) indicates that this missense variant is not expected to disrupt UTP4 protein function with a negative predictive value of 80%. In summary, the available evidence is currently insufficient to determine the role of this variant in disease. Therefore, it has been classified as a Variant of Uncertain Significance.